The following is an entry in ClinVar:

NM_001110556.2(FLNA):c.458C>G (p.Pro153Arg)

Gene: FLNA (filamin A; minus strand). Cytogenetic location: Xq28.
Variant type: single nucleotide variant.
Coding change: c.458C>G on transcript NM_001110556.2 (MANE Select); coding-DNA position 458, C replaced by G.
Protein change: p.Pro153Arg; replaces proline 153 with arginine.
Molecular consequence: missense variant.
Genome position (GRCh38, 1-based): chrX:154,368,006, G>C on the plus strand (C>G on the coding strand, the complement: FLNA is on the minus strand). VCF-style: chrX-154368006-G-C. GRCh37 (hg19) VCF-style: chrX-153596374-G-C.
Other names: c.458C>G, p.Pro153Arg (NM_001456.4); short protein forms P153R.
Identifiers: ClinVar variation 3365563 (VCV003365563.1).
Genomic context (GRCh38, chrX:154,368,006, plus strand): 5'-AGGAGCCTCTGCTTGGGGGTCTGCTTCTTGGCCTCCTCATCCTCCTCCTCGTCCCACATG[G>C]GCATGGAGATGGAGTAGTGCAGGATCAGGGTCCAGATGAGGCCCAGGATCAGCTTCAGGT-3'
Protein context (NP_001104026.1, residues 143-163): TLILHYSISM[Pro153Arg]MWDEEEDEEA

ClinVar aggregate classification (germline): Uncertain significance (1 of 4 stars; one submission).

Submission:

GeneDx
Classification: Uncertain significance. Last evaluated: 2023-12-18. Review status: criteria provided, single submitter. Criteria: GeneDx Variant Classification Process June 2021. Collection method: clinical testing. Allele origin: germline. Affected: yes.
Comment: Not observed at significant frequency in large population cohorts (gnomAD); In silico analysis supports that this missense variant has a deleterious effect on protein structure/function; Has not been previously published as pathogenic or benign to our knowledge